The following is an entry in ClinVar:

NM_000094.4(COL7A1):c.1907-1G>A

Gene: COL7A1 (collagen type VII alpha 1 chain; minus strand). Cytogenetic location: 3p21.31.
Variant type: single nucleotide variant.
Coding change: c.1907-1G>A on transcript NM_000094.4 (MANE Select); the canonical splice acceptor site of the intron before coding-DNA position 1907, G replaced by A.
Molecular consequence: splice acceptor variant.
Genome position (GRCh38, 1-based): chr3:48,590,357, C>T on the plus strand (G>A on the coding strand, the complement: COL7A1 is on the minus strand). VCF-style: chr3-48590357-C-T. GRCh37 (hg19) VCF-style: chr3-48627790-C-T.
Identifiers: ClinVar variation 5004853 (VCV005004853.1).

ClinVar aggregate classification (germline): Uncertain significance (1 of 4 stars; one submission).

Conditions:
Recessive dystrophic epidermolysis bullosa (RDEB). Also called: Epidermolysis Bullosa Distrophica Autosomal Recessive (RDEB); Recessive DEB (RDEB); DYSTROPHIC EPIDERMOLYSIS BULLOSA, AUTOSOMAL RECESSIVE; EPIDERMOLYSIS BULLOSA DYSTROPHICA, HALLOPEAU-SIEMENS TYPE; severe generalized recessive dystrophic epidermolysis bullosa; epidermolysis bullosa dystrophica, autosomal recessive. Identifiers: Orphanet 79408, Orphanet 79409, MedGen C0079474, MONDO:0009179, OMIM 226600.

Submission:

Myriad Genetics, Inc.
Classification: Uncertain significance for Recessive dystrophic epidermolysis bullosa. Last evaluated: 2026-08-20. Review status: criteria provided, single submitter. Criteria: Myriad Autosomal Dominant, Autosomal Recessive and X-Linked Classification Criteria (2023). Collection method: clinical testing. Allele origin: unknown.
Comment: NM_000094.3(COL7A1):c.1907-1G>A is a variant in a canonical splice site classified as a variant of uncertain significance in the context of dystrophic epidermolysis bullosa. c.1907-1G>A has not been observed in cases with relevant disease. Relevant functional assessments of this variant are not available in the literature. c.1907-1G>A has not been observed in referenced population frequency databases. In summary, there is insufficient evidence to classify NM_000094.3(COL7A1):c.1907-1G>A as pathogenic or benign. Please note: this variant was assessed in the context of healthy population screening.